The following is an entry in ClinVar:

NM_022132.5(MCCC2):c.700C>T (p.Arg234Cys)

Gene: MCCC2 (methylcrotonyl-CoA carboxylase subunit 2; plus strand). Cytogenetic location: 5q13.2.
Variant type: single nucleotide variant.
Coding change: c.700C>T on transcript NM_022132.5 (MANE Select); coding-DNA position 700, C replaced by T.
Protein change: p.Arg234Cys; replaces arginine 234 with cysteine.
Molecular consequence: missense variant. On other transcripts: intron variant (1).
Genome position (GRCh38, 1-based): chr5:71,626,715, C>T. VCF-style: chr5-71626715-C-T. GRCh37 (hg19) VCF-style: chr5-70922542-C-T.
Other names: c.625-5406C>T (NM_001363147.1); c.700C>T (NM_022132.4); short protein forms R234C.
Identifiers: ClinVar variation 1514755 (VCV001514755.11), dbSNP rs549784997, ClinGen allele CA3297844.

ClinVar aggregate classification (germline): Uncertain significance. Review status: criteria provided, multiple submitters, no conflicts (2 of 4 stars). 4 submissions from 4 submitters: Uncertain significance (3). 1 of the submissions does not count toward it. Last evaluated 2025-09-26.

Conditions:
3-methylcrotonyl-CoA carboxylase 2 deficiency. Also called: 3 alpha methylcrotonyl-CoA carboxylase 2 deficiency; 3 alpha methylcrotonylglycinuria 2; MCC 2 deficiency; Methylcrotonylglycinuria type 2; METHYLCROTONYLGLYCINURIA, TYPE II. Identifiers: Orphanet 6, MedGen C1859499, MONDO:0008862, OMIM 210210.
MCCC2-related disorder. Also called: MCCC2-related condition.
Inborn genetic diseases. Identifiers: MedGen C0950123, MeSH D030342.

Allele frequency attached by ClinVar (database versions not stated): gnomAD exomes 0.00002 and 0.00003; gnomAD 0.00003 and 0.00004; TOPMed 0.00003; ExAC 0.00004; 1000 Genomes Project 30x 0.00016; 1000 Genomes Project 0.00020.
gnomAD v4.1: 30 of 1,614,022 alleles (0.0019%); highest among the groups gnomAD compares: South Asian, 0.0077%; no homozygotes.

Submissions (4):

Ambry Genetics
Classification: Uncertain significance for Inborn genetic diseases. Last evaluated: 2025-09-26. Review status: criteria provided, single submitter. Criteria: Ambry Variant Classification Scheme 2023. Collection method: clinical testing. Allele origin: germline.

Labcorp Genetics (formerly Invitae), Labcorp
Classification: Uncertain significance for 3-methylcrotonyl-CoA carboxylase 2 deficiency. Last evaluated: 2021-09-30. Review status: criteria provided, single submitter. Criteria: Invitae Variant Classification Sherloc (09022015). Collection method: clinical testing. Allele origin: germline.
Comment: This sequence change replaces arginine with cysteine at codon 234 of the MCCC2 protein (p.Arg234Cys). The arginine residue is moderately conserved and there is a large physicochemical difference between arginine and cysteine. This variant is present in population databases (rs549784997, ExAC 0.03%). This variant has not been reported in the literature in individuals with MCCC2-related conditions. Algorithms developed to predict the effect of missense changes on protein structure and function are either unavailable or do not agree on the potential impact of this missense change (SIFT: "Deleterious"; PolyPhen-2: "Possibly Damaging"; Align-GVGD: "Class C15"). In summary, the available evidence is currently insufficient to determine the role of this variant in disease. Therefore, it has been classified as a Variant of Uncertain Significance.

Revvity Omics, Revvity
Classification: Uncertain significance for 3-methylcrotonyl-CoA carboxylase 2 deficiency. Last evaluated: 2021-02-24. Review status: criteria provided, single submitter. Criteria: ACMG Guidelines, 2015. Collection method: clinical testing. Allele origin: germline.

PreventionGenetics, part of Exact Sciences
Classification: Uncertain significance for MCCC2-related condition. Last evaluated: 2024-03-20. Review status: no assertion criteria provided. Collection method: clinical testing. Allele origin: germline. Not counted in ClinVar's aggregate classification.
Comment: The MCCC2 c.700C>T variant is predicted to result in the amino acid substitution p.Arg234Cys. To our knowledge, this variant has not been reported in the literature. This variant is reported in 0.015% of alleles in individuals of East Asian descent in gnomAD. At this time, the clinical significance of this variant is uncertain due to the absence of conclusive functional and genetic evidence.